The following is an entry in ClinVar:

ClinVar aggregate classification (germline): Uncertain significance. Review status: criteria provided, multiple submitters, no conflicts (2 of 4 stars). 2 submissions from 2 submitters: Uncertain significance (2). Last evaluated 2025-09-22.

Submissions (2):

GeneDx
Classification: Uncertain significance. Last evaluated: 2025-09-22. Review status: criteria provided, single submitter. Criteria: GeneDx Variant Classification Process June 2021. Collection method: clinical testing. Allele origin: germline.
Comment: Not observed at significant frequency in large population cohorts (gnomAD); In silico analysis suggests that this missense variant does not alter protein structure/function; In silico analysis suggests this variant may impact gene splicing. In the absence of RNA/functional studies, the actual effect of this sequence change is unknown.; Has not been previously published as pathogenic or benign to our knowledge

Labcorp Genetics (formerly Invitae), Labcorp
Classification: Uncertain significance. Last evaluated: 2024-07-21. Review status: criteria provided, single submitter. Criteria: Invitae Variant Classification Sherloc (09022015). Collection method: clinical testing. Allele origin: germline.
Comment: This sequence change replaces leucine, which is neutral and non-polar, with phenylalanine, which is neutral and non-polar, at codon 194 of the MTPAP protein (p.Leu194Phe). This variant is not present in population databases (gnomAD no frequency). This variant has not been reported in the literature in individuals affected with MTPAP-related conditions. ClinVar contains an entry for this variant (Variation ID: 2503122). Advanced modeling of protein sequence and biophysical properties (such as structural, functional, and spatial information, amino acid conservation, physicochemical variation, residue mobility, and thermodynamic stability) performed at Invitae indicates that this missense variant is not expected to disrupt MTPAP protein function with a negative predictive value of 80%. Algorithms developed to predict the effect of sequence changes on RNA splicing suggest that this variant may create or strengthen a splice site. In summary, the available evidence is currently insufficient to determine the role of this variant in disease. Therefore, it has been classified as a Variant of Uncertain Significance.

NM_018109.4(MTPAP):c.582G>T (p.Leu194Phe)

Gene: MTPAP (mitochondrial poly(A) polymerase; minus strand). Cytogenetic location: 10p11.23.
Variant type: single nucleotide variant.
Coding change: c.582G>T on transcript NM_018109.4 (MANE Select); coding-DNA position 582, G replaced by T.
Protein change: p.Leu194Phe; replaces leucine 194 with phenylalanine.
Molecular consequence: missense variant.
Genome position (GRCh38, 1-based): chr10:30,337,001, C>A on the plus strand (G>T on the coding strand, the complement: MTPAP is on the minus strand). VCF-style: chr10-30337001-C-A. GRCh37 (hg19) VCF-style: chr10-30625930-C-A.
Other names: short protein forms L194F.
Identifiers: ClinVar variation 2503122 (VCV002503122.4), dbSNP rs2538463745, ClinGen allele CA376426534.